The following is an entry in ClinVar:

NM_000572.3(IL10):c.514A>G (p.Met172Val)

Gene: IL10 (interleukin 10; minus strand). Cytogenetic location: 1q32.1.
Variant type: single nucleotide variant.
Coding change: c.514A>G on transcript NM_000572.3 (MANE Select); coding-DNA position 514, A replaced by G.
Protein change: p.Met172Val; replaces methionine 172 with valine.
Molecular consequence: missense variant.
Genome position (GRCh38, 1-based): chr1:206,768,659, T>C on the plus strand (A>G on the coding strand, the complement: IL10 is on the minus strand). VCF-style: chr1-206768659-T-C. GRCh37 (hg19) VCF-style: chr1-206942004-T-C.
Other names: c.514A>G, p.Met172Val (LRG_1230t1); short protein forms M172V.
Identifiers: ClinVar variation 662170 (VCV000662170.10), dbSNP rs768418064, ClinGen allele CA1363726.
Genomic context (GRCh38, chr1:206,768,659, plus strand): 5'-TATGTCCTAGAGTCTATAGAGTCGCCACCCTGATGTCTCAGTTTCGTATCTTCATTGTCA[T>C]GTAGGCTTCTATGTAGTTGATGAAGATGTCAAACTCACTCATGGCTTTGTAGATGCCTTT-3'
Protein context (NP_000563.1, residues 162-178): DIFINYIEAY[Met172Val]TMKIRN

ClinVar aggregate classification (germline): Uncertain significance (1 of 4 stars; one submission).

Conditions:
Inflammatory bowel disease. Identifiers: Orphanet 104012, MedGen C0021390, MONDO:0005265.

Allele frequency attached by ClinVar (database versions not stated): TOPMed below 0.00001; gnomAD 0.00001; gnomAD exomes 0.00001 and 0.00002; ExAC 0.00002.

Submission:

Labcorp Genetics (formerly Invitae), Labcorp
Classification: Uncertain significance for Inflammatory bowel disease. Last evaluated: 2023-08-01. Review status: criteria provided, single submitter. Criteria: Invitae Variant Classification Sherloc (09022015). Collection method: clinical testing. Allele origin: germline.
Comment: In summary, the available evidence is currently insufficient to determine the role of this variant in disease. Therefore, it has been classified as a Variant of Uncertain Significance. An algorithm developed to predict the effect of missense changes on protein structure and function (PolyPhen-2) suggests that this variant is likely to be tolerated. ClinVar contains an entry for this variant (Variation ID: 662170). This variant has not been reported in the literature in individuals affected with IL10-related conditions. This variant is present in population databases (rs768418064, gnomAD 0.004%). This sequence change replaces methionine, which is neutral and non-polar, with valine, which is neutral and non-polar, at codon 172 of the IL10 protein (p.Met172Val).